The following is an entry in ClinVar:

NM_001378452.1(ITPR1):c.326A>C (p.Lys109Thr)

Gene: ITPR1 (inositol 1,4,5-trisphosphate receptor type 1; plus strand). Cytogenetic location: 3p26.1.
Variant type: single nucleotide variant.
Coding change: c.326A>C on transcript NM_001378452.1 (MANE Select); coding-DNA position 326, A replaced by C.
Protein change: p.Lys109Thr; replaces lysine 109 with threonine.
Molecular consequence: missense variant.
Genome position (GRCh38, 1-based): chr3:4,639,430, A>C. VCF-style: chr3-4639430-A-C. GRCh37 (hg19) VCF-style: chr3-4681114-A-C.
Other names: c.326A>C, p.Lys109Thr (NM_001099952.4, NM_001168272.2, NM_002222.7); short protein forms K109T.
Identifiers: ClinVar variation 2446187 (VCV002446187.1), dbSNP rs2470590304, ClinGen allele CA351633629.

ClinVar aggregate classification (germline): Uncertain significance (1 of 4 stars; one submission).

Allele frequency attached by ClinVar (database versions not stated): gnomAD exomes below 0.00001.
gnomAD v4.1: 2 of 1,581,784 alleles (0.00013%); highest among the groups gnomAD compares: Non-Finnish European, 0.000086%; no homozygotes.

Submission:

GeneDx
Classification: Uncertain significance. Last evaluated: 2023-03-24. Review status: criteria provided, single submitter. Criteria: GeneDx Variant Classification Process June 2021. Collection method: clinical testing. Allele origin: germline. Affected: yes.
Comment: Not observed in large population cohorts (gnomAD); In silico analysis supports that this missense variant has a deleterious effect on protein structure/function; Has not been previously published as pathogenic or benign to our knowledge